The following is an entry in ClinVar:

NM_002137.4(HNRNPA2B1):c.658+9C>T

Gene: HNRNPA2B1 (heterogeneous nuclear ribonucleoprotein A2/B1; minus strand). Cytogenetic location: 7p15.2.
Variant type: single nucleotide variant.
Coding change: c.658+9C>T on transcript NM_002137.4 (MANE Select); 9 bases into the intron after coding-DNA position 658, C replaced by T.
Molecular consequence: intron variant.
Genome position (GRCh38, 1-based): chr7:26,196,392, G>A on the plus strand (C>T on the coding strand, the complement: HNRNPA2B1 is on the minus strand). VCF-style: chr7-26196392-G-A. GRCh37 (hg19) VCF-style: chr7-26236012-G-A.
Other names: c.658+9C>T (NM_001438571.1, NM_001438572.1, NM_001438063.1 and 4 more transcripts); c.694+9C>T (NM_001438574.1, NM_001438573.1, NM_001438568.1 and 3 more transcripts).
Identifiers: ClinVar variation 758964 (VCV000758964.12), dbSNP rs760373015, ClinGen allele CA4194562.
Genomic context (GRCh38, chr7:26,196,392, plus strand): 5'-AATGAAAACCTAATCATATTTAAAATAAAAGCACACTCATCCTTTAAACACGTAGAACTT[G>A]AAACTCACCAGATCCTCCTCTAAAGTTACTTCCTGGTCCTGGTCCGAAATTTCCACCGCC-3'

ClinVar aggregate classification (germline): Likely benign. Review status: criteria provided, single submitter (1 of 4 stars). 2 submissions from 2 submitters: Likely benign (1). 1 of the submissions does not count toward it. Last evaluated 2023-08-10.

Conditions:
HNRNPA2B1-related disorder. Also called: HNRNPA2B1-related condition.
Inclusion body myopathy with early-onset Paget disease with or without frontotemporal dementia 2 (IBMPFD2). Also called: MULTISYSTEM PROTEINOPATHY 2. Identifiers: MedGen C3809468, MONDO:0014178, OMIM 615422.

Allele frequency attached by ClinVar (database versions not stated): ExAC 0.00002; gnomAD exomes 0.00004 and 0.00002; gnomAD 0.00001.
gnomAD v4.1: 23 of 1,608,078 alleles (0.0014%); highest among the groups gnomAD compares: South Asian, 0.022%; no homozygotes.

Submissions (2):

Labcorp Genetics (formerly Invitae), Labcorp
Classification: Likely benign for Inclusion body myopathy with early-onset Paget disease with or without frontotemporal dementia 2. Last evaluated: 2023-08-10. Review status: criteria provided, single submitter. Criteria: Invitae Variant Classification Sherloc (09022015). Collection method: clinical testing. Allele origin: germline.

PreventionGenetics, part of Exact Sciences
Classification: Likely benign for HNRNPA2B1-related condition. Last evaluated: 2019-05-13. Review status: no assertion criteria provided. Collection method: clinical testing. Allele origin: germline. Not counted in ClinVar's aggregate classification.
Comment: This variant is classified as likely benign based on ACMG/AMP sequence variant interpretation guidelines (Richards et al. 2015 PMID: 25741868, with internal and published modifications).